The following is an entry in ClinVar:

NM_005159.5(ACTC1):c.716A>T (p.Glu239Val)

Genes: ACTC1 (actin alpha cardiac muscle 1; minus strand), GJD2-DT (GJD2 divergent transcript; plus strand). Cytogenetic location: 15q14.
Variant type: single nucleotide variant.
Coding change: c.716A>T on transcript NM_005159.5 (MANE Select); coding-DNA position 716, A replaced by T.
Protein change: p.Glu239Val; replaces glutamic acid 239 with valine.
Molecular consequence: missense variant.
Genome position (GRCh38, 1-based): chr15:34,792,182, T>A on the plus strand (A>T on the coding strand, the complement: ACTC1 is on the minus strand). VCF-style: chr15-34792182-T-A. GRCh37 (hg19) VCF-style: chr15-35084383-T-A.
Other names: c.716A>T, p.Glu239Val (NM_001406482.1, NM_001406483.1); c.581A>T, p.Glu194Val (NM_001406484.1); c.275A>T, p.Glu92Val (NM_001406485.1); short protein forms E92V, E239V, E194V.
Identifiers: ClinVar variation 4783293 (VCV004783293.1).
Genomic context (GRCh38, chr15:34,792,182, plus strand): 5'-CAGCGGAAGCGCTCATTGCCAATAGTGATGACTTGGCCATCAGGCAGTTCATAGCTCTTC[T>A]CCAGGGAGGAGGAAGAGGCAGCTGTGGCCATCTCATTCTCAAAATCCAGGGCGACATAGC-3'
Protein context (NP_005150.1, residues 229-249): MATAASSSSL[Glu239Val]KSYELPDGQV

ClinVar aggregate classification (germline): Likely pathogenic (1 of 4 stars; one submission).

Conditions:
Dilated cardiomyopathy 1R (CMD1R). Identifiers: Orphanet 154, Orphanet 54260, MedGen C3150681, MONDO:0013261, OMIM 613424.
Atrial septal defect 5 (ASD5). Identifiers: Orphanet 1478, MedGen C2748552, MONDO:0013011, OMIM 612794.
Hypertrophic cardiomyopathy 11. Also called: ACTC1-Related Familial Hypertrophic Cardiomyopathy. Identifiers: MedGen C2677506, MONDO:0012799, OMIM 612098.

Submission:

Labcorp Genetics (formerly Invitae), Labcorp
Classification: Likely pathogenic for Dilated cardiomyopathy 1R; Hypertrophic cardiomyopathy 11; Atrial septal defect 5. Last evaluated: 2025-07-30. Review status: criteria provided, single submitter. Criteria: Invitae Variant Classification Sherloc (09022015). Collection method: clinical testing. Allele origin: germline.
Comment: This sequence change replaces glutamic acid, which is acidic and polar, with valine, which is neutral and non-polar, at codon 239 of the ACTC1 protein (p.Glu239Val). This variant is not present in population databases (gnomAD no frequency). This missense change has been observed in individual(s) with left ventricular noncompaction (internal data). In at least one individual the variant was observed to be de novo. Invitae Evidence Modeling of protein sequence and biophysical properties (such as structural, functional, and spatial information, amino acid conservation, physicochemical variation, residue mobility, and thermodynamic stability) indicates that this missense variant is not expected to disrupt ACTC1 protein function with a negative predictive value of 80%. In summary, the currently available evidence indicates that the variant is pathogenic, but additional data are needed to prove that conclusively. Therefore, this variant has been classified as Likely Pathogenic.